The following is an entry in ClinVar:

NM_148960.3(CLDN19):c.535G>A (p.Gly179Ser)

Gene: CLDN19 (claudin 19; minus strand). Cytogenetic location: 1p34.2.
Variant type: single nucleotide variant.
Coding change: c.535G>A on transcript NM_148960.3 (MANE Select); coding-DNA position 535, G replaced by A.
Protein change: p.Gly179Ser; replaces glycine 179 with serine.
Molecular consequence: missense variant. On other transcripts: synonymous variant (1).
Genome position (GRCh38, 1-based): chr1:42,735,969, C>T on the plus strand (G>A on the coding strand, the complement: CLDN19 is on the minus strand). VCF-style: chr1-42735969-C-T. GRCh37 (hg19) VCF-style: chr1-43201640-C-T.
Other names: c.535G>A, p.Gly179Ser (NM_001123395.2); c.450G>A, p.Ala150= (NM_001185117.2); short protein forms G179S.
Identifiers: ClinVar variation 548672 (VCV000548672.7), dbSNP rs145591298, ClinGen allele CA801347.

ClinVar aggregate classification (germline): Conflicting classifications of pathogenicity. Review status: criteria provided, conflicting classifications (1 of 4 stars). 4 submissions from 4 submitters: Pathogenic (1); Likely pathogenic (1); Uncertain significance (1). 1 of the submissions does not count toward it. Last evaluated 2025-07-22.

Conditions:
Renal hypomagnesemia 5 with ocular involvement. Also called: FHHNC WITH SEVERE OCULAR INVOLVEMENT; HYPOMAGNESEMIA, FAMILIAL, WITH HYPERCALCIURIA, NEPHROCALCINOSIS, AND SEVERE OCULAR INVOLVEMENT; MACULAR COLOBOMA, BILATERAL, WITH HYPERCALCIURIA; HYPOMAGNESEMIA 5, RENAL, WITH OR WITHOUT OCULAR INVOLVEMENT. Identifiers: Orphanet 2196, MedGen C4721891, MONDO:0009548, OMIM 248190.
Kidney stone. Also called: Nephrolithiasis. Identifiers: MedGen C0392525, MONDO:0008171, HP:0000787.
Nephrocalcinosis. Also called: Hypercalcemic nephropathy. Identifiers: MedGen C0027709, MONDO:0001567, HP:0000121.

Allele frequency attached by ClinVar (database versions not stated): gnomAD exomes 0.00001 and below 0.00001; gnomAD 0.00002; TOPMed 0.00002; ExAC 0.00003; ESP Exome Variant Server 0.00015.

Submissions (4):

Labcorp Genetics (formerly Invitae), Labcorp
Classification: Uncertain significance. Last evaluated: 2025-07-22. Review status: criteria provided, single submitter. Criteria: Invitae Variant Classification Sherloc (09022015). Collection method: clinical testing. Allele origin: germline.
Comment: This sequence change replaces glycine, which is neutral and non-polar, with serine, which is neutral and polar, at codon 179 of the CLDN19 protein (p.Gly179Ser). This variant is present in population databases (rs145591298, gnomAD 0.005%). This missense change has been observed in individual(s) with hypomagnesemia and nephrocalcinosis (PMID: 28893421, 33025205, 34805638). ClinVar contains an entry for this variant (Variation ID: 548672). An algorithm developed to predict the effect of missense changes on protein structure and function (PolyPhen-2) suggests that this variant is likely to be disruptive. In summary, the available evidence is currently insufficient to determine the role of this variant in disease. Therefore, it has been classified as a Variant of Uncertain Significance.

Rare Kidney Stone Consortium and the Mayo Clinic Hyperoxaluria Center, Mayo Clinic
Classification: Pathogenic for Renal hypomagnesemia 5 with ocular involvement. Last evaluated: 2025-05-01. Review status: criteria provided, single submitter. Criteria: ACMG Guidelines, 2015. Collection method: research. Allele origin: germline. Affected: yes.
Comment: ACMG: PS1, PM1, PM2,PM3, PP3, PP4

homozygote

Victorian Clinical Genetics Services, Murdoch Childrens Research Institute
Classification: Likely pathogenic for Renal hypomagnesemia 5 with ocular involvement. Last evaluated: 2023-07-17. Review status: criteria provided, single submitter. Criteria: ACMG Guidelines, 2015. Collection method: clinical testing. Allele origin: germline. Inheritance: Autosomal recessive inheritance. Affected: yes.
Comment: Based on the classification scheme VCGS_Germline_v1.3.4, this variant is classified as Likely pathogenic. Following criteria are met: 0102 - Loss of function is a known mechanism of disease in this gene and is associated with hypomagnesaemia 5, renal, with ocular involvement (MIM#248190). (I) 0106 - This gene is associated with autosomal recessive disease. (I) 0200 - Variant is predicted to result in a missense amino acid change from glycine to serine. (I) 0252 - This variant is homozygous. (I) 0304 - Variant is present in gnomAD (v2) <0.01 for a recessive condition (3 heterozygotes, 0 homozygotes). (SP) 0501 - Missense variant consistently predicted to be damaging by multiple in silico tools or highly conserved with a major amino acid change. (SP) 0600 - Variant is located in the annotated PMP22 Claudin domain (DECIPHER). (I) 0705 - No comparable missense variants have previous evidence for pathogenicity. (I) 0803 - This variant has limited previous evidence of pathogenicity in two unrelated individuals. This variant has been observed as homozygous in one family with nephrocalcinosis and in one unrelated individual with obesity and myopia (PMIDs: 28893421, 34805638, 33025205). (SP) 0901 - This variant has strong evidence for segregation with disease. (SP) 1007 - No published functional evidence has been identified for this variant. (I) 1209 - This variant has been shown to be both maternally and paternally inherited (biallelic) (Sanger sequencing). (I) Legend: (SP) - Supporting pathogenic, (I) - Information, (SB) - Supporting benign

Yale Center for Mendelian Genomics, Yale University
Classification: Likely pathogenic for Nephrolithiasis; Nephrocalcinosis. Last evaluated: 2017-09-08. Review status: no assertion criteria provided. Collection method: literature only. Allele origin: germline. Affected: yes. Observed: 3 homozygotes. Not counted in ClinVar's aggregate classification.

Literature cited by the submitters: PubMed 28893421 (cited by 4 submitters); PubMed 33025205 (cited by Labcorp Genetics (formerly Invitae), Labcorp and Victorian Clinical Genetics Services, Murdoch Childrens Research Institute); PubMed 34805638 (cited by 3 submitters).